The following is an entry in ClinVar:

NM_001378183.1(PIEZO2):c.457G>T (p.Ala153Ser)

Gene: PIEZO2 (piezo type mechanosensitive ion channel component 2; minus strand). Cytogenetic location: 18p11.22.
Variant type: single nucleotide variant.
Coding change: c.457G>T on transcript NM_001378183.1 (MANE Select); coding-DNA position 457, G replaced by T.
Protein change: p.Ala153Ser; replaces alanine 153 with serine.
Molecular consequence: missense variant.
Genome position (GRCh38, 1-based): chr18:10,871,288, C>A on the plus strand (G>T on the coding strand, the complement: PIEZO2 is on the minus strand). VCF-style: chr18-10871288-C-A. GRCh37 (hg19) VCF-style: chr18-10871286-C-A.
Other names: c.457G>T, p.Ala153Ser (NM_001410871.1, NM_022068.4); short protein forms A153S.
Identifiers: ClinVar variation 4848585 (VCV004848585.1).
Genomic context (GRCh38, chr18:10,871,288, plus strand): 5'-GGAAGAGACATGGAGTTGGATTTACCAATTCTTCATTTTCAAACTCCGGGTTACTCTGTG[C>A]TGCTTCGTCTGTCACAGGTTTCTGAACAATGTTTCTACAGAGGAGCCAGATGGTCAGACT-3'
Protein context (NP_001365112.1, residues 143-163): IVQKPVTDEA[Ala153Ser]QSNPEFENEE

ClinVar aggregate classification (germline): Uncertain significance (1 of 4 stars; one submission).

gnomAD v4.1: 15 of 1,537,040 alleles (0.00098%); highest among the groups gnomAD compares: Non-Finnish European, 0.0013%; no homozygotes.

Submission:

Women's Health and Genetics/Laboratory Corporation of America, LabCorp
Classification: Uncertain significance. Last evaluated: 2026-04-14. Review status: criteria provided, single submitter. Criteria: LabCorp Variant Classification Summary - May 2015. Collection method: clinical testing. Allele origin: germline.
Comment: Variant summary: PIEZO2 c.457G>T (p.Ala153Ser) results in a conservative amino acid change in the encoded protein sequence. Algorithms developed to predict the effect of missense changes on protein structure and function all suggest that this variant is likely to be tolerated. The variant allele was found at a frequency of 6.9e-06 in 144528 control chromosomes. The available data on variant occurrences in the general population are insufficient to allow any conclusion about variant significance. To our knowledge, no occurrence of c.457G>T in individuals affected with PIEZO2-related conditions and no experimental evidence demonstrating its impact on protein function have been reported. No submitters have cited clinical-significance assessments for this variant to ClinVar. Based on the evidence outlined above, the variant was classified as uncertain significance.